The following is an entry in ClinVar:

ClinVar aggregate classification (germline): Likely benign. Review status: criteria provided, multiple submitters, no conflicts (2 of 4 stars). 2 submissions from 2 submitters: Likely benign (2). Last evaluated 2026-03-26.

Conditions:
RP1L1-related disorder. Also called: RP1L1-related condition.

gnomAD v4.1: 2 of 1,610,036 alleles (0.00012%); highest among the groups gnomAD compares: Admixed American, 0.0017%; no homozygotes.

Submissions (2):

PreventionGenetics, part of Exact Sciences
Classification: Likely benign for RP1L1-related condition. Last evaluated: 2026-03-26. Review status: criteria provided, single submitter. Criteria: ACMG Guidelines, 2015. Collection method: clinical testing. Allele origin: germline.
Comment: This variant is classified as likely benign based on ACMG/AMP sequence variant interpretation guidelines (Richards et al. 2015 PMID: 25741868, with internal and published modifications).

Blueprint Genetics
Classification: Likely benign. Last evaluated: 2024-08-12. Review status: criteria provided, single submitter. Criteria: ACMG Guidelines, 2015. Collection method: clinical testing. Allele origin: germline.

NM_178857.6(RP1L1):c.1560C>T (p.Arg520=)

Gene: RP1L1 (RP1 like 1). Cytogenetic location: 8p23.1.
Variant type: single nucleotide variant.
Coding change: c.1560C>T on transcript NM_178857.6 (MANE Select); coding-DNA position 1560, C replaced by T.
Protein change: p.Arg520=; no amino-acid change (arginine 520 retained).
Molecular consequence: synonymous variant.
Genome position (GRCh38, 1-based): chr8:10,612,538, G>A on the plus strand (C>T on the coding strand, the complement: RP1L1 is on the minus strand). VCF-style: chr8-10612538-G-A. GRCh37 (hg19) VCF-style: chr8-10470048-G-A.
Other names: c.1560C>T (NM_178857.5).
Identifiers: ClinVar variation 4899362 (VCV004899362.2).